The following is an entry in ClinVar:

ClinVar aggregate classification (germline): Uncertain significance (1 of 4 stars; one submission).

Conditions:
Hereditary spastic paraplegia 7 (SPG7). Also called: Autosomal recessive spastic paraplegia type 7; SPG7-related neurologic disorder; SPASTIC PARAPLEGIA 7, AUTOSOMAL RECESSIVE, WITH OR WITHOUT CEREBELLAR ATAXIA; Spastic paraplegia 7; Hereditary spastic paraplegia Paraplegin type. Identifiers: Orphanet 99013, MedGen C1846564, MONDO:0011803, OMIM 607259.

Allele frequency attached by ClinVar (database versions not stated): gnomAD exomes 0.00001; TOPMed 0.00002.
gnomAD v4.1: 11 of 1,613,254 alleles (0.00068%); highest among the groups gnomAD compares: East Asian, 0.0067%; no homozygotes.

Submission:

Labcorp Genetics (formerly Invitae), Labcorp
Classification: Uncertain significance for Hereditary spastic paraplegia 7. Last evaluated: 2023-10-13. Review status: criteria provided, single submitter. Criteria: Invitae Variant Classification Sherloc (09022015). Collection method: clinical testing. Allele origin: germline.
Comment: This sequence change replaces glutamic acid, which is acidic and polar, with lysine, which is basic and polar, at codon 775 of the SPG7 protein (p.Glu775Lys). This variant is present in population databases (no rsID available, gnomAD 0.006%). This variant has not been reported in the literature in individuals affected with SPG7-related conditions. ClinVar contains an entry for this variant (Variation ID: 1364649). Advanced modeling of protein sequence and biophysical properties (such as structural, functional, and spatial information, amino acid conservation, physicochemical variation, residue mobility, and thermodynamic stability) has been performed at Invitae for this missense variant, however the output from this modeling did not meet the statistical confidence thresholds required to predict the impact of this variant on SPG7 protein function. In summary, the available evidence is currently insufficient to determine the role of this variant in disease. Therefore, it has been classified as a Variant of Uncertain Significance.

NM_003119.4(SPG7):c.2323G>A (p.Glu775Lys)

Gene: SPG7 (SPG7 matrix AAA peptidase subunit, paraplegin; plus strand). Cytogenetic location: 16q24.3.
Variant type: single nucleotide variant.
Coding change: c.2323G>A on transcript NM_003119.4 (MANE Select); coding-DNA position 2323, G replaced by A.
Protein change: p.Glu775Lys; replaces glutamic acid 775 with lysine.
Molecular consequence: missense variant. On other transcripts: 3 prime UTR variant (1).
Genome position (GRCh38, 1-based): chr16:89,557,028, G>A. VCF-style: chr16-89557028-G-A. GRCh37 (hg19) VCF-style: chr16-89623436-G-A.
Other names: c.*101G>A (NM_001363850.1); short protein forms E775K.
Identifiers: ClinVar variation 1364649 (VCV001364649.6), dbSNP rs1293899912, ClinGen allele CA397417985.